The following is an entry in ClinVar:

NM_004104.5(FASN):c.1231C>T (p.Pro411Ser)

Gene: FASN (fatty acid synthase; minus strand). Cytogenetic location: 17q25.3.
Variant type: single nucleotide variant.
Coding change: c.1231C>T on transcript NM_004104.5 (MANE Select); coding-DNA position 1231, C replaced by T.
Protein change: p.Pro411Ser; replaces proline 411 with serine.
Molecular consequence: missense variant.
Genome position (GRCh38, 1-based): chr17:82,091,483, G>A on the plus strand (C>T on the coding strand, the complement: FASN is on the minus strand). VCF-style: chr17-82091483-G-A. GRCh37 (hg19) VCF-style: chr17-80049359-G-A.
Other names: short protein forms P411S.
Identifiers: ClinVar variation 1431440 (VCV001431440.6), dbSNP rs1209369034, ClinGen allele CA401560856.

ClinVar aggregate classification (germline): Uncertain significance (1 of 4 stars; one submission).

Conditions:
Epileptic encephalopathy. Identifiers: MedGen C0543888, HP:0200134.

Allele frequency attached by ClinVar (database versions not stated): gnomAD exomes below 0.00001; TOPMed 0.00001.
gnomAD v4.1: 1 of 1,604,764 alleles (0.000062%); highest among the groups gnomAD compares: Non-Finnish European, 0.000085%; no homozygotes.

Submission:

Labcorp Genetics (formerly Invitae), Labcorp
Classification: Uncertain significance for Epileptic encephalopathy. Last evaluated: 2025-06-20. Review status: criteria provided, single submitter. Criteria: Invitae Variant Classification Sherloc (09022015). Collection method: clinical testing. Allele origin: germline.
Comment: This sequence change replaces proline, which is neutral and non-polar, with serine, which is neutral and polar, at codon 411 of the FASN protein (p.Pro411Ser). This variant is not present in population databases (gnomAD no frequency). This variant has not been reported in the literature in individuals affected with FASN-related conditions. ClinVar contains an entry for this variant (Variation ID: 1431440). An algorithm developed to predict the effect of missense changes on protein structure and function (PolyPhen-2) suggests that this variant is likely to be tolerated. In summary, the available evidence is currently insufficient to determine the role of this variant in disease. Therefore, it has been classified as a Variant of Uncertain Significance.